The following is an entry in ClinVar:

ClinVar aggregate classification (germline): Pathogenic/Likely pathogenic. Review status: criteria provided, multiple submitters, no conflicts (2 of 4 stars). 3 submissions from 3 submitters: Pathogenic (1); Likely pathogenic (1). 1 of the submissions does not count toward it. Last evaluated 2026-05-19.

Conditions:
Fanconi anemia (FA). Also called: Fanconi's anemia. Identifiers: Orphanet 84, MedGen C0015625, MeSH D005199, MONDO:0019391.
Fanconi anemia complementation group A (FANCA). Also called: FANCA-Related Fanconi Anemia; Fanconi anemia, group A. Identifiers: Orphanet 84, MedGen C3469521, MONDO:0009215, OMIM 227650.

Submissions (3):

Myriad Genetics, Inc.
Classification: Likely pathogenic for Fanconi anemia complementation group A. Last evaluated: 2026-05-19. Review status: criteria provided, single submitter. Criteria: Myriad Autosomal Dominant, Autosomal Recessive and X-Linked Classification Criteria (2023). Collection method: clinical testing. Allele origin: unknown.
Comment: NM_000135.2(FANCA):c.3350G>C(R1117T) is a missense variant classified as likely pathogenic in the context of Fanconi anemia complementation group A. R1117T has been observed in cases with relevant disease (PMID: 15523645, 36894310). Relevant functional assessments of this variant are available in the literature (PMID: 15523645). R1117T has not been observed in referenced population frequency databases. In summary, NM_000135.2(FANCA):c.3350G>C(R1117T) is a missense variant that has functional support for pathogenicity and has been observed more frequently in cases with the relevant disease than in healthy populations. Please note: this variant was assessed in the context of healthy population screening.

Women's Health and Genetics/Laboratory Corporation of America, LabCorp
Classification: Pathogenic for Fanconi anemia. Last evaluated: 2025-06-09. Review status: criteria provided, single submitter. Criteria: LabCorp Variant Classification Summary - May 2015. Collection method: clinical testing. Allele origin: germline.
Comment: Variant summary: FANCA c.3350G>C (p.Arg1117Thr) results in a non-conservative amino acid change in the encoded protein sequence. Algorithms developed to predict the effect of missense changes on protein structure and function all suggest that this variant is likely to be disruptive. The variant was absent in 162016 control chromosomes. c.3350G>C has been observed in individual(s) affected with Fanconi Anemia (Yagasaki_2004, Joshi_2023). These data indicate that the variant may be associated with disease. Experimental studies have shown that this missense change affects FANCA function (Yagasaki_2004). A different pathogenic variant affecting the same codon has also been reported (p.Arg1117Gly). The following publications have been ascertained in the context of this evaluation (PMID: 15523645, 36894310). ClinVar contains an entry for this variant (Variation ID: 974353). Based on the evidence outlined above, the variant was classified as pathogenic.

Leiden Open Variation Database
Classification: Pathogenic for Fanconi anemia complementation group A. Last evaluated: 2020-02-28. Review status: no assertion criteria provided. Collection method: curation. Allele origin: germline. Affected: yes. Not counted in ClinVar's aggregate classification.
Comment: Curator: Arleen D. Auerbach. Submitter to LOVD: Arleen D. Auerbach.

Literature cited by the submitters: PubMed 15523645 (cited by 3 submitters); PubMed 36894310 (cited by Myriad Genetics, Inc. and Women's Health and Genetics/Laboratory Corporation of America, LabCorp).

NM_000135.4(FANCA):c.3350G>C (p.Arg1117Thr)

Gene: FANCA (FA complementation group A; minus strand). Cytogenetic location: 16q24.3.
Variant type: single nucleotide variant.
Coding change: c.3350G>C on transcript NM_000135.4 (MANE Select); coding-DNA position 3350, G replaced by C.
Protein change: p.Arg1117Thr; replaces arginine 1117 with threonine.
Molecular consequence: missense variant.
Genome position (GRCh38, 1-based): chr16:89,746,889, C>G on the plus strand (G>C on the coding strand, the complement: FANCA is on the minus strand). VCF-style: chr16-89746889-C-G. GRCh37 (hg19) VCF-style: chr16-89813297-C-G.
Other names: c.3350G>C, p.Arg1117Thr (NM_001286167.3); short protein forms R1117T.
Identifiers: ClinVar variation 974353 (VCV000974353.3), dbSNP rs2038409656, ClinGen allele CA397486164.